The following is an entry in ClinVar:

NM_018474.6(KIZ):c.863C>T (p.Thr288Ile)

Gene: KIZ (kizuna centrosomal protein; plus strand). Cytogenetic location: 20p11.23.
Variant type: single nucleotide variant.
Coding change: c.863C>T on transcript NM_018474.6 (MANE Select); coding-DNA position 863, C replaced by T.
Protein change: p.Thr288Ile; replaces threonine 288 with isoleucine.
Molecular consequence: missense variant.
Genome position (GRCh38, 1-based): chr20:21,162,328, C>T. VCF-style: chr20-21162328-C-T. GRCh37 (hg19) VCF-style: chr20-21142969-C-T.
Other names: c.554C>T, p.Thr185Ile (NM_001163022.3, NM_001352435.2); c.464C>T, p.Thr155Ile (NM_001163023.3); c.716C>T, p.Thr239Ile (NM_001276389.2); c.863C>T, p.Thr288Ile (NM_001352434.2); c.521C>T, p.Thr174Ile (NM_001352436.2); short protein forms T155I, T288I, T185I, T174I, T239I.
Identifiers: ClinVar variation 1399640 (VCV001399640.6), dbSNP rs1167411865, ClinGen allele CA408492897.

ClinVar aggregate classification (germline): Uncertain significance (1 of 4 stars; one submission).

Allele frequency attached by ClinVar (database versions not stated): gnomAD exomes below 0.00001; TOPMed below 0.00001; gnomAD 0.00001.
gnomAD v4.1: 3 of 1,613,740 alleles (0.00019%); highest among the groups gnomAD compares: African/African-American, 0.0027%; no homozygotes.

Submission:

Labcorp Genetics (formerly Invitae), Labcorp
Classification: Uncertain significance. Last evaluated: 2022-07-19. Review status: criteria provided, single submitter. Criteria: Invitae Variant Classification Sherloc (09022015). Collection method: clinical testing. Allele origin: germline.
Comment: This variant has not been reported in the literature in individuals affected with KIZ-related conditions. In summary, the available evidence is currently insufficient to determine the role of this variant in disease. Therefore, it has been classified as a Variant of Uncertain Significance. Experimental studies and prediction algorithms are not available or were not evaluated, and the functional significance of this variant is currently unknown. ClinVar contains an entry for this variant (Variation ID: 1399640). This variant is present in population databases (no rsID available, gnomAD 0.01%). This sequence change replaces threonine, which is neutral and polar, with isoleucine, which is neutral and non-polar, at codon 288 of the KIZ protein (p.Thr288Ile).